The following is an entry in ClinVar:

ClinVar aggregate classification (germline): Likely pathogenic (1 of 4 stars; one submission).

Conditions:
Deficiency of alpha-mannosidase (MANSA). Also called: Mannosidosis, alpha-, types I and II; Alpha-Mannosidosis; LYSOSOMAL ALPHA-D-MANNOSIDASE DEFICIENCY. Identifiers: Orphanet 61, MedGen C0024748, MONDO:0009561, OMIM 248500.

Submission:

Myriad Genetics, Inc.
Classification: Likely pathogenic for Deficiency of alpha-mannosidase. Last evaluated: 2019-12-01. Review status: criteria provided, single submitter. Criteria: Myriad Women's Health Autosomal Recessive and X-Linked Classification Criteria (2019). Collection method: clinical testing. Allele origin: unknown.
Comment: NM_000528.3(MAN2B1):c.2731G>T(E911*) is expected to be pathogenic in the context of alpha-mannosidosis. This variant is predicted to lead to an abnormal or absent protein product due to the creation of a premature termination codon in MAN2B1, a gene where loss-of-function variants are known to be pathogenic. Please note: this variant was assessed in the context of healthy population screening.

NM_000528.4(MAN2B1):c.2731G>T (p.Glu911Ter)

Genes: MAN2B1 (mannosidase alpha class 2B member 1; minus strand), LOC130063648 (ATAC-STARR-seq lymphoblastoid active region 14063; plus strand). Cytogenetic location: 19p13.13.
Variant type: single nucleotide variant.
Coding change: c.2731G>T on transcript NM_000528.4 (MANE Select); coding-DNA position 2731, G replaced by T.
Protein change: p.Glu911Ter; replaces glutamic acid 911 with a stop codon.
Molecular consequence: nonsense.
Genome position (GRCh38, 1-based): chr19:12,647,532, C>A on the plus strand (G>T on the coding strand, the complement: MAN2B1 is on the minus strand). VCF-style: chr19-12647532-C-A. GRCh37 (hg19) VCF-style: chr19-12758346-C-A.
Other names: c.2728G>T, p.Glu910Ter (NM_001173498.2); short protein forms E910*, E911*.
Identifiers: ClinVar variation 983954 (VCV000983954.3), dbSNP rs139366493, ClinGen allele CA404237993.